The following is an entry in ClinVar:

ClinVar aggregate classification (germline): Uncertain significance (1 of 4 stars; one submission).

Allele frequency attached by ClinVar (database versions not stated): gnomAD exomes below 0.00001 and 0.00001; ExAC 0.00001.

Submission:

Labcorp Genetics (formerly Invitae), Labcorp
Classification: Uncertain significance. Last evaluated: 2024-10-15. Review status: criteria provided, single submitter. Criteria: Invitae Variant Classification Sherloc (09022015). Collection method: clinical testing. Allele origin: germline.
Comment: This sequence change replaces alanine, which is neutral and non-polar, with threonine, which is neutral and polar, at codon 151 of the MOCS3 protein (p.Ala151Thr). This variant is present in population databases (rs761324265, gnomAD 0.003%). This variant has not been reported in the literature in individuals affected with MOCS3-related conditions. ClinVar contains an entry for this variant (Variation ID: 1504285). An algorithm developed to predict the effect of missense changes on protein structure and function (PolyPhen-2) suggests that this variant is likely to be tolerated. In summary, the available evidence is currently insufficient to determine the role of this variant in disease. Therefore, it has been classified as a Variant of Uncertain Significance.

NM_014484.5(MOCS3):c.451G>A (p.Ala151Thr)

Gene: MOCS3 (molybdenum cofactor synthesis 3; plus strand). Cytogenetic location: 20q13.13.
Variant type: single nucleotide variant.
Coding change: c.451G>A on transcript NM_014484.5 (MANE Select); coding-DNA position 451, G replaced by A.
Protein change: p.Ala151Thr; replaces alanine 151 with threonine.
Molecular consequence: missense variant.
Genome position (GRCh38, 1-based): chr20:50,959,293, G>A. VCF-style: chr20-50959293-G-A. GRCh37 (hg19) VCF-style: chr20-49575830-G-A.
Other names: short protein forms A151T.
Identifiers: ClinVar variation 1504285 (VCV001504285.8), dbSNP rs761324265, ClinGen allele CA9909409.
Genomic context (GRCh38, chr20:50,959,293, plus strand): 5'-GCACTGGCTGGCCAGGCCAAGGCCTTTTCGGCCGCCGCCTCGCTGCGCCGCCTCAATTCG[G>A]CAGTGGAATGCGTGCCGTACACTCAGGCCCTTACGCCAGCCACTGCCCTAGACCTGGTCC-3'
Protein context (NP_055299.1, residues 141-161): AAASLRRLNS[Ala151Thr]VECVPYTQAL